The following is an entry in ClinVar:

NM_198834.3(ACACA):c.6189G>C (p.Thr2063=)

Gene: ACACA (acetyl-CoA carboxylase alpha; minus strand). Cytogenetic location: 17q12.
Variant type: single nucleotide variant.
Coding change: c.6189G>C on transcript NM_198834.3 (MANE Select); coding-DNA position 6189, G replaced by C.
Protein change: p.Thr2063=; no amino-acid change (threonine 2063 retained).
Molecular consequence: synonymous variant.
Genome position (GRCh38, 1-based): chr17:37,121,440, C>G on the plus strand (G>C on the coding strand, the complement: ACACA is on the minus strand). VCF-style: chr17-37121440-C-G. GRCh37 (hg19) VCF-style: chr17-35478362-T-G.
Other names: c.6078G>C, p.Thr2026= (NM_198836.3, NM_198839.3); c.5904G>C, p.Thr1968= (NM_198837.2); c.5844G>C, p.Thr1948= (NM_198838.2).
Identifiers: ClinVar variation 2171699 (VCV002171699.4), dbSNP rs1470452, ClinGen allele CA8514677.

ClinVar aggregate classification (germline): Uncertain significance (1 of 4 stars; one submission).

gnomAD v4.1: 18 of 1,614,012 alleles (0.0011%); highest among the groups gnomAD compares: East Asian, 0.013%; no homozygotes.

Submission:

Labcorp Genetics (formerly Invitae), Labcorp
Classification: Uncertain significance. Last evaluated: 2022-11-01. Review status: criteria provided, single submitter. Criteria: Invitae Variant Classification Sherloc (09022015). Collection method: clinical testing. Allele origin: germline.
Comment: In summary, the available evidence is currently insufficient to determine the role of this variant in disease. Therefore, it has been classified as a Variant of Uncertain Significance. Experimental studies and prediction algorithms are not available or were not evaluated, and the effect of this variant on mRNA splicing is currently unknown. This variant has not been reported in the literature in individuals affected with ACACA-related conditions. This variant is present in population databases (rs1470452, gnomAD 0.02%). This sequence change affects codon 2026 of the ACACA mRNA. It is a 'silent' change, meaning that it does not change the encoded amino acid sequence of the ACACA protein.